The following is an entry in ClinVar:

NM_206933.4(USH2A):c.9611A>G (p.His3204Arg)

Gene: USH2A (usherin; minus strand). Cytogenetic location: 1q41.
Variant type: single nucleotide variant.
Coding change: c.9611A>G on transcript NM_206933.4 (MANE Select); coding-DNA position 9611, A replaced by G.
Protein change: p.His3204Arg; replaces histidine 3204 with arginine.
Molecular consequence: missense variant.
Genome position (GRCh38, 1-based): chr1:215,813,864, T>C on the plus strand (A>G on the coding strand, the complement: USH2A is on the minus strand). VCF-style: chr1-215813864-T-C. GRCh37 (hg19) VCF-style: chr1-215987206-T-C.
Other names: short protein forms H3204R.
Identifiers: ClinVar variation 759323 (VCV000759323.19), dbSNP rs745539518, ClinGen allele CA1394255.

ClinVar aggregate classification (germline): Conflicting classifications of pathogenicity. Review status: criteria provided, conflicting classifications (1 of 4 stars). 6 submissions from 6 submitters: Uncertain significance (1); Benign (1); Likely benign (3). 1 of the submissions does not count toward it. Last evaluated 2026-01-05.

Conditions:
Usher syndrome type 2A. Also called: RETINAL DISEASE IN USHER SYNDROME TYPE IIA, MODIFIER OF; USHER SYNDROME, TYPE IIA. Identifiers: Orphanet 231178, Orphanet 886, MedGen C1848634, MONDO:0010169, OMIM 276901.
Retinal dystrophy. Also called: Inherited retinal dystrophy. Identifiers: Orphanet 71862, MedGen C0854723, MeSH D058499, MONDO:0019118, HP:0000556.

Allele frequency attached by ClinVar (database versions not stated): gnomAD 0.00003 and 0.00004; gnomAD exomes 0.00004 and 0.00022; TOPMed 0.00010; ExAC 0.00018.
gnomAD v4.1: 70 of 1,613,746 alleles (0.0043%); highest among the groups gnomAD compares: East Asian, 0.14%; 1 homozygote.

Submissions (6):

Labcorp Genetics (formerly Invitae), Labcorp
Classification: Benign. Last evaluated: 2026-01-05. Review status: criteria provided, single submitter. Criteria: Invitae Variant Classification Sherloc (09022015). Collection method: clinical testing. Allele origin: germline.

GeneDx
Classification: Uncertain significance. Last evaluated: 2025-03-14. Review status: criteria provided, single submitter. Criteria: GeneDx Variant Classification Process June 2021. Collection method: clinical testing. Allele origin: germline. Affected: yes.
Comment: Identified with a second USH2A variant in a patient with hearing loss in published literature (PMID: 36504663); In silico analysis supports that this missense variant has a deleterious effect on protein structure/function; This variant is associated with the following publications: (PMID: 25649381, 36504663, 32675063)

Blueprint Genetics
Classification: Likely benign. Last evaluated: 2024-11-06. Review status: criteria provided, single submitter. Criteria: ACMG Guidelines, 2015. Collection method: clinical testing. Allele origin: germline.

Dept Of Ophthalmology, Nagoya University
Classification: Likely benign for Retinal dystrophy. Last evaluated: 2023-10-01. Review status: criteria provided, single submitter. Criteria: Submitter's publication. Collection method: research. Allele origin: germline. Affected: yes.

Athena Diagnostics
Classification: Likely benign. Last evaluated: 2021-03-05. Review status: criteria provided, single submitter. Criteria: Athena Diagnostics criteria. Collection method: clinical testing. Allele origin: unknown.

Natera, Inc.
Classification: Likely benign for Usher syndrome type 2A. Last evaluated: 2020-10-22. Review status: no assertion criteria provided. Collection method: clinical testing. Allele origin: germline. Not counted in ClinVar's aggregate classification.

Literature cited by the submitters: PubMed 25649381 (cited by Athena Diagnostics).